The following is an entry in ClinVar:

GRCh37/hg19 15q11.2(chr15:22835646-23272733)x3

Genes: CYFIP1 (cytoplasmic FMR1 interacting protein 1; minus strand), NIPA1 (NIPA magnesium transporter 1; plus strand), NIPA2 (NIPA magnesium transporter 2; plus strand), TUBGCP5 (tubulin gamma complex component 5; minus strand). Cytogenetic location: 15q11.2.
Variant type: copy number gain.
Change: copy number 3 (three copies instead of two) of chr15:22,835,646-23,272,733 (437.1 kb, GRCh37 coordinates, 1-based), cytogenetic band 15q11.2.
Identifiers: ClinVar variation 929338 (VCV000929338.2).

ClinVar aggregate classification (germline): Pathogenic (1 of 4 stars; one submission).

Submission:

Clinical Genomics Laboratory, Laboratory for Precision Diagnostics, University of Washington
Classification: Pathogenic. Last evaluated: 2019-05-10. Review status: criteria provided, single submitter. Criteria: Clinical Cytogenomics Laboratory Policy on CNV Interpretation. Collection method: clinical testing. Allele origin: unknown. Affected: yes. Observed: 1 variant allele.
Comment: Risk factor for neurocognitive abnormalities with low penetrance and variable expressivity

Literature cited by the submitters: PubMed 22922608; PubMed 28588435; PubMed 21359847; PubMed 30878790; PubMed 24821083; PubMed 27566550.